The following is an entry in ClinVar:

ClinVar aggregate classification (germline): Conflicting classifications of pathogenicity. Review status: criteria provided, conflicting classifications (1 of 4 stars). 2 submissions from 2 submitters: Uncertain significance (1); Benign (1). Last evaluated 2025-07-23.

Conditions:
Juvenile polyposis/hereditary hemorrhagic telangiectasia syndrome (JPHT). Also called: JP/HHT SYNDROME; JUVENILE POLYPOSIS WITH HEREDITARY HEMORRHAGIC TELANGIECTASIA; POLYPOSIS, GENERALIZED JUVENILE, WITH PULMONARY ARTERIOVENOUS MALFORMATION; TELANGIECTASIA, HEREDITARY HEMORRHAGIC, WITH JUVENILE POLYPOSIS COLI; Juvenile Polyposis Syndrome / Hereditary Hemorrhagic Telangiectasia (JPS/HHT). Identifiers: Orphanet 2929, MedGen C1832942, MONDO:0008278, OMIM 175050.
Familial thoracic aortic aneurysm and aortic dissection (TAAD). Also called: Thoracic aortic aneurysms and dissections. Identifiers: Orphanet 91387, MedGen C4707243, MONDO:0019625.
Hereditary cancer-predisposing syndrome. Also called: Neoplastic Syndromes, Hereditary; Tumor predisposition; Hereditary neoplastic syndrome; Hereditary Cancer Syndrome. Identifiers: Orphanet 140162, MedGen C0027672, MeSH D009386, MONDO:0015356.

Submissions (2):

Ambry Genetics
Classification: Uncertain significance for Hereditary cancer-predisposing syndrome; Familial thoracic aortic aneurysm and aortic dissection. Last evaluated: 2025-07-23. Review status: criteria provided, single submitter. Criteria: Ambry Variant Classification Scheme 2023. Collection method: clinical testing. Allele origin: germline.
Comment: The c.51G>T variant (also known as p.L17L), located in coding exon 1 of the SMAD4 gene, results from a G to T substitution at nucleotide position 51. This nucleotide substitution does not change the amino acid at codon 17. This nucleotide position is well conserved in available vertebrate species. In silico splice site analysis for this alteration is inconclusive. Based on the available evidence, the clinical significance of this variant remains unclear.

Myriad Genetics, Inc.
Classification: Benign for Juvenile polyposis/hereditary hemorrhagic telangiectasia syndrome. Last evaluated: 2025-03-18. Review status: criteria provided, single submitter. Criteria: Myriad Autosomal Dominant, Autosomal Recessive and X-Linked Classification Criteria (2023). Collection method: clinical testing. Allele origin: unknown.
Comment: This variant is considered benign. This variant is a silent/synonymous amino acid change and it is not expected to impact splicing.

NM_005359.6(SMAD4):c.51G>T (p.Leu17=)

Gene: SMAD4 (SMAD family member 4; plus strand). Cytogenetic location: 18q21.2.
Variant type: single nucleotide variant.
Coding change: c.51G>T on transcript NM_005359.6 (MANE Select); coding-DNA position 51, G replaced by T.
Protein change: p.Leu17=; no amino-acid change (leucine 17 retained).
Molecular consequence: synonymous variant. On other transcripts: non-coding transcript variant (2).
Genome position (GRCh38, 1-based): chr18:51,047,097, G>T. VCF-style: chr18-51047097-G-T. GRCh37 (hg19) VCF-style: chr18-48573467-G-T.
Other names: c.51G>T, p.Leu17= (NM_001407041.1, NM_001407042.1, NM_001407043.1).
Identifiers: ClinVar variation 3904049 (VCV003904049.2).